The following is an entry in ClinVar:

ClinVar aggregate classification (germline): Likely pathogenic. Review status: criteria provided, multiple submitters, no conflicts (2 of 4 stars). 3 submissions from 3 submitters: Likely pathogenic (3). Last evaluated 2024-05-21.

Conditions:
Progressive sclerosing poliodystrophy (MTDPS4A). Also called: ALPERS PROGRESSIVE INFANTILE POLIODYSTROPHY; NEURONAL DEGENERATION OF CHILDHOOD WITH LIVER DISEASE, PROGRESSIVE; Alpers Syndrome; Mitochondrial DNA Depletion Syndrome 4A; Alpers-Huttenlocher Syndrome (AHS); ALPERS DIFFUSE DEGENERATION OF CEREBRAL GRAY MATTER WITH HEPATIC CIRRHOSIS. Identifiers: Orphanet 726, MedGen C0205710, MONDO:0008758, OMIM 203700.
Progressive external ophthalmoplegia with mitochondrial DNA deletions, autosomal dominant 1 (PEOA1). Also called: PROGRESSIVE EXTERNAL OPHTHALMOPLEGIA, AUTOSOMAL DOMINANT 1; Autosomal Dominant Progressive External Ophthalmoplegia (adPEO). Identifiers: MedGen C1834846, MONDO:0024528, OMIM 157640.
Mitochondrial DNA depletion syndrome 4b. Also called: Mitochondrial Neurogastrointestinal Encephalopathy Disease, POLG-Related; MNGIE, POLG-RELATED. Identifiers: Orphanet 298, MedGen C3150914, MONDO:0013350, OMIM 613662.
Progressive external ophthalmoplegia with mitochondrial DNA deletions, autosomal recessive 1 (PEOB1). Also called: Progressive external ophthalmoplegia, autosomal recessive 1; Autosomal Recessive Progressive External Ophthalmoplegia (arPEO). Identifiers: Orphanet 254886, MedGen C4225153, MONDO:0009783, OMIM 258450.
Sensory ataxic neuropathy, dysarthria, and ophthalmoparesis (SANDO). Also called: Sensory ataxic neuropathy-dysarthria-ophthalmoparesis syndrome; Epilepsy, progressive myoclonic, type 5; SENSORY ATAXIC NEUROPATHY WITH MITOCHONDRIAL DNA DELETIONS, AUTOSOMAL RECESSIVE; Ataxia Neuropathy Spectrum (ANS). Identifiers: Orphanet 70595, MedGen C1843851, MONDO:0011835, OMIM 607459.

Allele frequency attached by ClinVar (database versions not stated): gnomAD exomes below 0.00001.
gnomAD v4.1: 1 of 1,592,294 alleles (0.000063%); highest among the groups gnomAD compares: Non-Finnish European, 0.000085%; no homozygotes.

Submissions (3):

Fulgent Genetics
Classification: Likely pathogenic for Progressive external ophthalmoplegia with mitochondrial DNA deletions, autosomal dominant 1; Progressive sclerosing poliodystrophy; Progressive external ophthalmoplegia with mitochondrial DNA deletions, autosomal recessive 1; Sensory ataxic neuropathy, dysarthria, and ophthalmoparesis; Mitochondrial DNA depletion syndrome 4b. Last evaluated: 2024-05-21. Review status: criteria provided, single submitter. Criteria: ACMG Guidelines, 2015. Collection method: clinical testing. Allele origin: germline.

Baylor Genetics
Classification: Likely pathogenic for Progressive sclerosing poliodystrophy. Last evaluated: 2024-03-25. Review status: criteria provided, single submitter. Criteria: ACMG Guidelines, 2015. Collection method: clinical testing. Allele origin: unknown.

Juno Genomics, Hangzhou Juno Genomics, Inc
Classification: Likely pathogenic for Progressive sclerosing poliodystrophy; Sensory ataxic neuropathy, dysarthria, and ophthalmoparesis; Mitochondrial DNA depletion syndrome 4b; Progressive external ophthalmoplegia with mitochondrial DNA deletions, autosomal dominant 1; Progressive external ophthalmoplegia with mitochondrial DNA deletions, autosomal recessive 1. Review status: criteria provided, single submitter. Criteria: ACMG Guidelines, 2015. Collection method: clinical testing. Allele origin: germline.
Comment: Null variant in a gene where loss of function (LOF) is a known mechanism of disease.;Absent from controls (or at extremely low frequency if recessive) in Genome Aggregation Database.

NM_002693.3(POLG):c.130C>T (p.Gln44Ter)

Genes: POLG (DNA polymerase gamma, catalytic subunit; minus strand), POLGARF (POLG alternative reading frame; minus strand). Cytogenetic location: 15q26.1.
Variant type: single nucleotide variant.
Coding change: c.130C>T on transcript NM_002693.3 (MANE Select); coding-DNA position 130, C replaced by T.
Protein change: p.Gln44Ter; replaces glutamine 44 with a stop codon.
Molecular consequence: nonsense.
Genome position (GRCh38, 1-based): chr15:89,333,625, G>A on the plus strand (C>T on the coding strand, the complement: POLG is on the minus strand). VCF-style: chr15-89333625-G-A. GRCh37 (hg19) VCF-style: chr15-89876856-G-A.
Other names: c.130C>T, p.Gln44Ter (NM_001126131.2); short protein forms Q44*.
Identifiers: ClinVar variation 3240171 (VCV003240171.4), dbSNP rs2509277475.